The following is an entry in ClinVar:

ClinVar aggregate classification (germline): Uncertain significance. Review status: criteria provided, multiple submitters, no conflicts (2 of 4 stars). 2 submissions from 2 submitters: Uncertain significance (2). Last evaluated 2019-09-01.

Conditions:
Platelet-type bleeding disorder 15 (BDPLT15). Also called: MACROTHROMBOCYTOPENIA, AUTOSOMAL DOMINANT, ACTN1-RELATED. Identifiers: Orphanet 140957, MedGen C3554663, MONDO:0014078, OMIM 615193.

Allele frequency attached by ClinVar (database versions not stated): gnomAD exomes below 0.00001; ExAC 0.00001.
gnomAD v4.1: 2 of 1,614,204 alleles (0.00012%); highest among the groups gnomAD compares: Non-Finnish European, 0.00017%; no homozygotes.

Submissions (2):

CeGaT Center for Human Genetics Tuebingen
Classification: Uncertain significance. Last evaluated: 2019-09-01. Review status: criteria provided, single submitter. Criteria: CeGaT Center For Human Genetics Tuebingen Variant Classification Criteria Version 2. Collection method: clinical testing. Allele origin: germline. Affected: yes. Observed: 1 variant allele.

ISTH-SSC Genomics in Thrombosis and Hemostasis, KU Leuven, Center for Molecular and Vascular Biology
Classification: Uncertain significance for Platelet-type bleeding disorder 15. Review status: criteria provided, single submitter. Criteria: ACMG Guidelines, 2015. Collection method: clinical testing. Allele origin: germline. Affected: yes. Observed: 2 heterozygotes. Clinical features observed: Thrombocytopenia, bleeding.
Comment: Submitted to the GoldVariant database by Dr Marie-Christine Morel-Kopp; Northern Blood Research Centre, Sydney, Australia

NM_001130004.2(ACTN1):c.2186A>G (p.Asn729Ser)

Gene: ACTN1 (actinin alpha 1; minus strand). Cytogenetic location: 14q24.1.
Variant type: single nucleotide variant.
Coding change: c.2186A>G on transcript NM_001130004.2 (MANE Select); coding-DNA position 2186, A replaced by G.
Protein change: p.Asn729Ser; replaces asparagine 729 with serine.
Molecular consequence: missense variant.
Genome position (GRCh38, 1-based): chr14:68,880,056, T>C on the plus strand (A>G on the coding strand, the complement: ACTN1 is on the minus strand). VCF-style: chr14-68880056-T-C. GRCh37 (hg19) VCF-style: chr14-69346773-T-C.
Other names: c.2186A>G, p.Asn729Ser (NM_001102.4, NM_001130005.2); c.2186A>G (NM_001130004.1); short protein forms N729S.
Identifiers: ClinVar variation 872048 (VCV000872048.42), dbSNP rs759548966, ClinGen allele CA7242150.